The following is an entry in ClinVar:

NM_007294.4(BRCA1):c.4276T>A (p.Ser1426Thr)

Gene: BRCA1 (BRCA1 DNA repair associated; minus strand). Cytogenetic location: 17q21.31.
Variant type: single nucleotide variant.
Coding change: c.4276T>A on transcript NM_007294.4 (MANE Select); coding-DNA position 4276, T replaced by A.
Protein change: p.Ser1426Thr; replaces serine 1426 with threonine.
Molecular consequence: missense variant.
Genome position (GRCh38, 1-based): chr17:43,082,485, A>T on the plus strand (T>A on the coding strand, the complement: BRCA1 is on the minus strand). VCF-style: chr17-43082485-A-T. GRCh37 (hg19) VCF-style: chr17-41234502-A-T.
Other names: c.4012T>A, p.Ser1338Thr (NM_001407926.1, NM_001407927.1, NM_001407928.1 and 7 more transcripts); c.4009T>A, p.Ser1337Thr (NM_001407930.1, NM_001407931.1, NM_001407936.1 and 3 more transcripts); c.4153T>A, p.Ser1385Thr (NM_001407937.1, NM_001407938.1, NM_001407939.1 and 13 more transcripts); c.4135T>A, p.Ser1379Thr (NM_001407942.1, NM_001407692.1, NM_001407694.1 and 23 more transcripts); c.4132T>A, p.Ser1378Thr (NM_001407943.1, NM_001407740.1, NM_001407741.1 and 23 more transcripts); c.4006T>A, p.Ser1336Thr (NM_001407934.1); c.4150T>A, p.Ser1384Thr (NM_001407940.1, NM_001407941.1, NM_001407672.1 and 12 more transcripts); c.4276T>A, p.Ser1426Thr (NM_001407684.1, NM_001407854.1, NM_001407858.1 and 23 more transcripts); and 51 more; short protein forms S1130T, S1257T, S1298T, S1299T, S1313T, S1314T, S1315T, S1336T.
Identifiers: ClinVar variation 3372696 (VCV003372696.1).

ClinVar aggregate classification (germline): Uncertain significance (1 of 4 stars; one submission).

Submission:

GeneDx
Classification: Uncertain significance. Last evaluated: 2024-04-17. Review status: criteria provided, single submitter. Criteria: GeneDx Variant Classification Process June 2021. Collection method: clinical testing. Allele origin: germline. Affected: yes.
Comment: Not observed at significant frequency in large population cohorts (gnomAD); In silico analysis indicates that this missense variant does not alter protein structure/function; Has not been previously published as pathogenic or benign to our knowledge; Also known as 4395T>A; This variant is associated with the following publications: (PMID: 15343273, 22737296)